The following is an entry in ClinVar:

ClinVar aggregate classification (germline): Uncertain significance (1 of 4 stars; one submission).

gnomAD v4.1: 1 of 1,612,032 alleles (0.000062%); highest among the groups gnomAD compares: Non-Finnish European, 0.000085%; no homozygotes.

Submission:

Labcorp Genetics (formerly Invitae), Labcorp
Classification: Uncertain significance. Last evaluated: 2022-12-08. Review status: criteria provided, single submitter. Criteria: Invitae Variant Classification Sherloc (09022015). Collection method: clinical testing. Allele origin: germline.
Comment: In summary, the available evidence is currently insufficient to determine the role of this variant in disease. Therefore, it has been classified as a Variant of Uncertain Significance. Advanced modeling of protein sequence and biophysical properties (such as structural, functional, and spatial information, amino acid conservation, physicochemical variation, residue mobility, and thermodynamic stability) performed at Invitae indicates that this missense variant is not expected to disrupt CBX2 protein function. This variant has not been reported in the literature in individuals affected with CBX2-related conditions. This variant is not present in population databases (gnomAD no frequency). This sequence change replaces valine, which is neutral and non-polar, with leucine, which is neutral and non-polar, at codon 336 of the CBX2 protein (p.Val336Leu).

NM_005189.3(CBX2):c.1006G>T (p.Val336Leu)

Gene: CBX2 (chromobox 2; plus strand). Cytogenetic location: 17q25.3.
Variant type: single nucleotide variant.
Coding change: c.1006G>T on transcript NM_005189.3 (MANE Select); coding-DNA position 1006, G replaced by T.
Protein change: p.Val336Leu; replaces valine 336 with leucine.
Molecular consequence: missense variant.
Genome position (GRCh38, 1-based): chr17:79,784,449, G>T. VCF-style: chr17-79784449-G-T. GRCh37 (hg19) VCF-style: chr17-77758248-G-T.
Other names: short protein forms V336L.
Identifiers: ClinVar variation 2816901 (VCV002816901.3), dbSNP rs1471885621, ClinGen allele CA401337431.